The following is an entry in ClinVar:

NM_006231.4(POLE):c.796C>T (p.Arg266Ter)

Gene: POLE (DNA polymerase epsilon, catalytic subunit; minus strand). Cytogenetic location: 12q24.33.
Variant type: single nucleotide variant.
Coding change: c.796C>T on transcript NM_006231.4 (MANE Select); coding-DNA position 796, C replaced by T.
Protein change: p.Arg266Ter; replaces arginine 266 with a stop codon.
Molecular consequence: nonsense.
Genome position (GRCh38, 1-based): chr12:132,677,368, G>A on the plus strand (C>T on the coding strand, the complement: POLE is on the minus strand). VCF-style: chr12-132677368-G-A. GRCh37 (hg19) VCF-style: chr12-133253954-G-A.
Other names: short protein forms R266*.
Identifiers: ClinVar variation 548720 (VCV000548720.16), dbSNP rs767666219, ClinGen allele CA6894186.

ClinVar aggregate classification (germline): Conflicting classifications of pathogenicity. Review status: criteria provided, conflicting classifications (1 of 4 stars). 3 submissions from 3 submitters: Pathogenic (1); Uncertain significance (1). 1 of the submissions does not count toward it. Last evaluated 2025-05-25.

Conditions:
Hereditary cancer-predisposing syndrome. Also called: Hereditary Cancer Syndrome; Hereditary neoplastic syndrome; Tumor predisposition; Neoplastic Syndromes, Hereditary. Identifiers: Orphanet 140162, MedGen C0027672, MeSH D009386, MONDO:0015356.
Colorectal cancer, susceptibility to, 12 (CRCS12). Also called: COLORECTAL CANCER, SUSCEPTIBILITY TO, ON CHROMOSOME 12q24. Identifiers: Orphanet 220460, MedGen C3554460, MONDO:0014038, OMIM 615083.

Allele frequency attached by ClinVar (database versions not stated): gnomAD exomes below 0.00001 and 0.00001; TOPMed 0.00001; ExAC 0.00002.
gnomAD v4.1: 7 of 1,613,204 alleles (0.00043%); highest among the groups gnomAD compares: Non-Finnish European, 0.00051%; no homozygotes.

Submissions (3):

Ambry Genetics
Classification: Uncertain significance for Hereditary cancer-predisposing syndrome. Last evaluated: 2025-05-25. Review status: criteria provided, single submitter. Criteria: Ambry Variant Classification Scheme 2023. Collection method: clinical testing. Allele origin: germline.
Comment: The p.R266* variant (also known as c.796C>T), located in coding exon 8 of the POLE gene, results from a C to T substitution at nucleotide position 796. This changes the amino acid from an arginine to a stop codon within coding exon 8. This alteration is expected to result in loss of function by premature protein truncation or nonsense-mediated mRNA decay. Although biallelic loss of function of POLE has been associated with autosomal recessive POLE deficiency, haploinsufficiency of POLE has not been established as a mechanism of disease for POLE-related polymerase proofreading-associated polyposis (PPAP) and POLE-related CMMRD-like syndrome. Based on the supporting evidence, this variant is expected to be causative of POLE deficiency when present along with a second pathogenic variant on the other allele; however, its clinical significance for PPAP and POLE-related CMMRD-like syndrome is unclear.

Labcorp Genetics (formerly Invitae), Labcorp
Classification: Pathogenic. Last evaluated: 2025-04-10. Review status: criteria provided, single submitter. Criteria: Invitae Variant Classification Sherloc (09022015). Collection method: clinical testing. Allele origin: germline.
Comment: This sequence change creates a premature translational stop signal (p.Arg266*) in the POLE gene. It is expected to result in an absent or disrupted protein product. Loss-of-function variants in POLE are known to be pathogenic (PMID: 23230001, 25948378, 30503519). This variant is present in population databases (rs767666219, gnomAD 0.006%). This variant has not been reported in the literature in individuals affected with POLE-related conditions. ClinVar contains an entry for this variant (Variation ID: 548720). RNA analysis performed to evaluate the impact of this premature translational stop signal on mRNA splicing indicates it does not significantly alter splicing (internal data). For these reasons, this variant has been classified as Pathogenic.

Counsyl
Classification: Uncertain significance for Colorectal cancer, susceptibility to, 12. Last evaluated: 2017-01-11. Review status: no assertion criteria provided. Collection method: clinical testing. Allele origin: unknown. Not counted in ClinVar's aggregate classification.

Literature cited by the submitters: PubMed 23230001 (cited by Labcorp Genetics (formerly Invitae), Labcorp); PubMed 25948378 (cited by Labcorp Genetics (formerly Invitae), Labcorp); PubMed 30503519 (cited by Labcorp Genetics (formerly Invitae), Labcorp).